The following is an entry in ClinVar:

NM_001035.3(RYR2):c.3423+99A>T

Gene: RYR2 (ryanodine receptor 2; plus strand). Cytogenetic location: 1q43.
Variant type: single nucleotide variant.
Coding change: c.3423+99A>T on transcript NM_001035.3 (MANE Select); 99 bases into the intron after coding-DNA position 3423, A replaced by T.
Molecular consequence: intron variant.
Genome position (GRCh38, 1-based): chr1:237,566,874, A>T. VCF-style: chr1-237566874-A-T. GRCh37 (hg19) VCF-style: chr1-237730174-A-T.
Identifiers: ClinVar variation 675784 (VCV000675784.1), dbSNP rs75580777, ClinGen allele CA39822991.
Genomic context (GRCh38, chr1:237,566,874, plus strand): 5'-CTGGAGGCTCATCTCCTCTGCTGTTCCTCTTGGTAGCTTCACAGTACCAGTGTTTCCCAC[A>T]GCACAAACGTGGAAAAATATTTCACAGGAAAGCTTTTGTCCTCGTAGTCTCAAAACCCTT-3'

ClinVar aggregate classification (germline): Likely benign (1 of 4 stars; one submission).

Allele frequency attached by ClinVar (database versions not stated): TOPMed 0.00409; gnomAD 0.00417; 1000 Genomes Project 0.00419; 1000 Genomes Project 30x 0.00422.
gnomAD v4.1: 949 of 1,163,322 alleles (0.082%); highest among the groups gnomAD compares: African/African-American, 1.3%; 5 homozygotes.

Submission:

GeneDx
Classification: Likely benign. Last evaluated: 2018-06-14. Review status: criteria provided, single submitter. Criteria: GeneDx Variant Classification (06012015). Collection method: clinical testing. Allele origin: germline. Affected: yes.
Comment: This variant is considered likely benign or benign based on one or more of the following criteria: it is a conservative change, it occurs at a poorly conserved position in the protein, it is predicted to be benign by multiple in silico algorithms, and/or has population frequency not consistent with disease.